The following is an entry in ClinVar:

NM_006096.4(NDRG1):c.1071C>T (p.Ser357=)

Gene: NDRG1 (N-myc downstream regulated 1; minus strand). Cytogenetic location: 8q24.22.
Variant type: single nucleotide variant.
Coding change: c.1071C>T on transcript NM_006096.4 (MANE Select); coding-DNA position 1071, C replaced by T.
Protein change: p.Ser357=; no amino-acid change (serine 357 retained).
Molecular consequence: synonymous variant.
Genome position (GRCh38, 1-based): chr8:133,238,992, G>A on the plus strand (C>T on the coding strand, the complement: NDRG1 is on the minus strand). VCF-style: chr8-133238992-G-A. GRCh37 (hg19) VCF-style: chr8-134251235-G-A.
Other names: c.1071C>T, p.Ser357= (NM_001135242.2, NM_001374845.1, NM_001374846.1); c.873C>T, p.Ser291= (NM_001258432.2, NM_001374847.1); c.828C>T, p.Ser276= (NM_001258433.2); c.1122C>T, p.Ser374= (NM_001374844.1).
Identifiers: ClinVar variation 2076706 (VCV002076706.5), dbSNP rs772115691, ClinGen allele CA4886432.
Genomic context (GRCh38, chr8:133,238,992, plus strand): 5'-GTTGGGGGTGATGTCCAGGTGGGCCCCCTCGCTGGTGTGCGAGCGGCTGCGGGTGCCCTC[G>A]CTGGTGTGGGAGCGGCTTCGGGTGCCCTCGCTGGTGTGGGAGCGGCTGCGGGTGCCATCC-3'
Protein context (NP_006087.2, residues 347-367): SEGTRSRSHT[Ser357=]EGTRSRSHTS

ClinVar aggregate classification (germline): Likely benign. Review status: criteria provided, multiple submitters, no conflicts (2 of 4 stars). 2 submissions from 2 submitters: Likely benign (2). Last evaluated 2025-02-06.

Conditions:
Charcot-Marie-Tooth disease type 4. Also called: Charcot-Marie-Tooth, Type 4; Charcot-Marie-Tooth disease, type IV. Identifiers: Orphanet 64749, MedGen C4082197, MONDO:0018995.
NDRG1-related disorder. Also called: NDRG1-related condition.

Allele frequency attached by ClinVar (database versions not stated): gnomAD 0.00001; TOPMed 0.00001; gnomAD exomes 0.00002; ExAC 0.00004.
gnomAD v4.1: 27 of 1,594,822 alleles (0.0017%); highest among the groups gnomAD compares: South Asian, 0.022%; 1 homozygote.

Submissions (2):

PreventionGenetics, part of Exact Sciences
Classification: Likely benign for NDRG1-related condition. Last evaluated: 2025-02-06. Review status: criteria provided, single submitter. Criteria: ACMG Guidelines, 2015. Collection method: clinical testing. Allele origin: germline.
Comment: This variant is classified as likely benign based on ACMG/AMP sequence variant interpretation guidelines (Richards et al. 2015 PMID: 25741868, with internal and published modifications).

Labcorp Genetics (formerly Invitae), Labcorp
Classification: Likely benign for Charcot-Marie-Tooth disease type 4. Last evaluated: 2023-11-05. Review status: criteria provided, single submitter. Criteria: Invitae Variant Classification Sherloc (09022015). Collection method: clinical testing. Allele origin: germline.